The following is an entry in ClinVar:

ClinVar aggregate classification (germline): Uncertain significance (1 of 4 stars; one submission).

Allele frequency attached by ClinVar (database versions not stated): 1000 Genomes Project 30x 0.00031; 1000 Genomes Project 0.00040; TOPMed below 0.00001; ESP Exome Variant Server 0.00008.
gnomAD v4.1: 5 of 1,613,688 alleles (0.00031%); highest among the groups gnomAD compares: Admixed American, 0.0017%; no homozygotes.

Submission:

Labcorp Genetics (formerly Invitae), Labcorp
Classification: Uncertain significance. Last evaluated: 2022-09-23. Review status: criteria provided, single submitter. Criteria: Invitae Variant Classification Sherloc (09022015). Collection method: clinical testing. Allele origin: germline.
Comment: In summary, the available evidence is currently insufficient to determine the role of this variant in disease. Therefore, it has been classified as a Variant of Uncertain Significance. Algorithms developed to predict the effect of missense changes on protein structure and function (SIFT, PolyPhen-2, Align-GVGD) all suggest that this variant is likely to be disruptive. This variant has not been reported in the literature in individuals affected with IMPDH1-related conditions. This variant is present in population databases (rs147491964, gnomAD 0.007%). This sequence change replaces serine, which is neutral and polar, with leucine, which is neutral and non-polar, at codon 365 of the IMPDH1 protein (p.Ser365Leu).

NM_000883.4(IMPDH1):c.1094C>T (p.Ser365Leu)

Gene: IMPDH1 (inosine monophosphate dehydrogenase 1; minus strand). Cytogenetic location: 7q32.1.
Variant type: single nucleotide variant.
Coding change: c.1094C>T on transcript NM_000883.4 (MANE Select); coding-DNA position 1094, C replaced by T.
Protein change: p.Ser365Leu; replaces serine 365 with leucine.
Molecular consequence: missense variant.
Genome position (GRCh38, 1-based): chr7:128,397,003, G>A on the plus strand (C>T on the coding strand, the complement: IMPDH1 is on the minus strand). VCF-style: chr7-128397003-G-A. GRCh37 (hg19) VCF-style: chr7-128037057-G-A.
Other names: c.1064C>T, p.Ser355Leu (NM_001102605.2); c.839C>T, p.Ser280Leu (NM_001142573.2); c.824C>T, p.Ser275Leu (NM_001142574.2); c.764C>T, p.Ser255Leu (NM_001142575.2); c.995C>T, p.Ser332Leu (NM_001142576.2); c.887C>T, p.Ser296Leu (NM_001304521.2); c.986C>T, p.Ser329Leu (NM_183243.3); short protein forms S280L, S296L, S332L, S255L, S355L, S365L, S275L, S329L.
Identifiers: ClinVar variation 2138875 (VCV002138875.4), dbSNP rs147491964, ClinGen allele CA4470944.